The following is an entry in ClinVar:

NM_001037333.3(CYFIP2):c.2414G>A (p.Arg805Gln)

Gene: CYFIP2 (cytoplasmic FMR1 interacting protein 2; plus strand). Cytogenetic location: 5q33.3.
Variant type: single nucleotide variant.
Coding change: c.2414G>A on transcript NM_001037333.3 (MANE Select); coding-DNA position 2414, G replaced by A.
Protein change: p.Arg805Gln; replaces arginine 805 with glutamine.
Molecular consequence: missense variant.
Genome position (GRCh38, 1-based): chr5:157,339,085, G>A. VCF-style: chr5-157339085-G-A. GRCh37 (hg19) VCF-style: chr5-156766093-G-A.
Other names: c.2336G>A, p.Arg779Gln (NM_001291721.2); c.2489G>A, p.Arg830Gln (NM_001291722.2); c.2414G>A, p.Arg805Gln (NM_014376.4); short protein forms R779Q, R805Q, R830Q.
Identifiers: ClinVar variation 1012750 (VCV001012750.43), dbSNP rs750024153, ClinGen allele CA3533856.

ClinVar aggregate classification (germline): Conflicting classifications of pathogenicity. Review status: criteria provided, conflicting classifications (1 of 4 stars). 2 submissions from 2 submitters: Uncertain significance (1); Likely benign (1). Last evaluated 2025-03-03.

Allele frequency attached by ClinVar (database versions not stated): ExAC 0.00002; gnomAD exomes 0.00002 and 0.00003; TOPMed 0.00002; gnomAD 0.00003.
gnomAD v4.1: 27 of 1,612,466 alleles (0.0017%); highest among the groups gnomAD compares: Admixed American, 0.005%; no homozygotes.

Submissions (2):

Labcorp Genetics (formerly Invitae), Labcorp
Classification: Uncertain significance. Last evaluated: 2025-03-03. Review status: criteria provided, single submitter. Criteria: Invitae Variant Classification Sherloc (09022015). Collection method: clinical testing. Allele origin: germline.
Comment: This sequence change replaces arginine, which is basic and polar, with glutamine, which is neutral and polar, at codon 805 of the CYFIP2 protein (p.Arg805Gln). The frequency data for this variant in the population databases is considered unreliable, as metrics indicate poor data quality at this position in the gnomAD database. This variant has not been reported in the literature in individuals affected with CYFIP2-related conditions. ClinVar contains an entry for this variant (Variation ID: 1012750). Experimental studies and prediction algorithms are not available or were not evaluated, and the functional significance of this variant is currently unknown. In summary, the available evidence is currently insufficient to determine the role of this variant in disease. Therefore, it has been classified as a Variant of Uncertain Significance.

CeGaT Center for Human Genetics Tuebingen
Classification: Likely benign. Last evaluated: 2020-09-01. Review status: criteria provided, single submitter. Criteria: CeGaT Center For Human Genetics Tuebingen Variant Classification Criteria Version 2. Collection method: clinical testing. Allele origin: germline. Affected: yes. Observed: 1 variant allele.